The following is an entry in ClinVar:

NM_018013.4(SOBP):c.1725C>G (p.Gly575=)

Gene: SOBP (sine oculis binding protein homolog; plus strand). Cytogenetic location: 6q21.
Variant type: single nucleotide variant.
Coding change: c.1725C>G on transcript NM_018013.4 (MANE Select); coding-DNA position 1725, C replaced by G.
Protein change: p.Gly575=; no amino-acid change (glycine 575 retained).
Molecular consequence: synonymous variant.
Genome position (GRCh38, 1-based): chr6:107,634,569, C>G. VCF-style: chr6-107634569-C-G. GRCh37 (hg19) VCF-style: chr6-107955773-C-G.
Identifiers: ClinVar variation 436828 (VCV000436828.20), dbSNP rs778864419, ClinGen allele CA3946569.

ClinVar aggregate classification (germline): Likely benign. Review status: criteria provided, multiple submitters, no conflicts (2 of 4 stars). 2 submissions from 2 submitters: Likely benign (2). Last evaluated 2024-10-01.

Allele frequency attached by ClinVar (database versions not stated): gnomAD 0.00006; TOPMed 0.00006.
gnomAD v4.1: 170 of 1,605,746 alleles (0.011%); highest among the groups gnomAD compares: Non-Finnish European, 0.013%; 1 homozygote.

Submissions (2):

CeGaT Center for Human Genetics Tuebingen
Classification: Likely benign. Last evaluated: 2024-10-01. Review status: criteria provided, single submitter. Criteria: CeGaT Center For Human Genetics Tuebingen Variant Classification Criteria Version 2. Collection method: clinical testing. Allele origin: germline. Affected: yes. Observed: 1 variant allele.
Comment: SOBP: BP4, BP7

Genetic Services Laboratory, University of Chicago
Classification: Likely benign. Last evaluated: 2016-10-28. Review status: criteria provided, single submitter. Criteria: ACMG Guidelines, 2015. Collection method: clinical testing. Allele origin: germline. Affected: no.